The following is an entry in ClinVar:

NM_000214.3(JAG1):c.2418del (p.Cys806fs)

Gene: JAG1 (jagged canonical Notch ligand 1; minus strand). Cytogenetic location: 20p12.2.
Variant type: Deletion.
Coding change: c.2418del on transcript NM_000214.3 (MANE Select); coding-DNA position 2418, one base deleted (C; older notation c.2418delC).
Protein change: p.Cys806fs; shifts the reading frame from cysteine 806.
Molecular consequence: frameshift variant.
Genome position (GRCh38, 1-based): chr20:10,643,818, G deleted on the plus strand (C on the coding strand, the reverse complement: JAG1 is on the minus strand). VCF-style (leftmost placement, unchanged base first): chr20-10643817-CG-C. GRCh37 (hg19) VCF-style: chr20-10624465-CG-C.
Other names: c.2418del, p.Cys806fs (LRG_1191t1); c.2418delC (NM_000214.2); c.2418del (NM_000214.2); short protein forms C806fs.
Identifiers: ClinVar variation 234690 (VCV000234690.3), dbSNP rs876661165, ClinGen allele CA10577611.

ClinVar aggregate classification (germline): Pathogenic (1 of 4 stars; one submission).

Submission:

GeneDx
Classification: Pathogenic. Last evaluated: 2023-02-09. Review status: criteria provided, single submitter. Criteria: GeneDx Variant Classification Process June 2021. Collection method: clinical testing. Allele origin: germline. Affected: yes.
Comment: Frameshift variant predicted to result in protein truncation or nonsense mediated decay in a gene for which loss of function is a known mechanism of disease; Not observed at significant frequency in large population cohorts (gnomAD); Has not been previously published as pathogenic or benign to our knowledge